The following is an entry in ClinVar:

ClinVar aggregate classification (germline): Uncertain significance. Review status: criteria provided, multiple submitters, no conflicts (2 of 4 stars). 2 submissions from 2 submitters: Uncertain significance (2). Last evaluated 2025-06-10.

Allele frequency attached by ClinVar (database versions not stated): gnomAD 0.00002; TOPMed 0.00002; ExAC 0.00003.
gnomAD v4.1: 43 of 1,614,040 alleles (0.0027%); highest among the groups gnomAD compares: East Asian, 0.0045%; no homozygotes.

Submissions (2):

Labcorp Genetics (formerly Invitae), Labcorp
Classification: Uncertain significance. Last evaluated: 2025-06-10. Review status: criteria provided, single submitter. Criteria: Invitae Variant Classification Sherloc (09022015). Collection method: clinical testing. Allele origin: germline.
Comment: This sequence change replaces arginine, which is basic and polar, with tryptophan, which is neutral and slightly polar, at codon 556 of the LZTS1 protein (p.Arg556Trp). This variant is present in population databases (rs748585946, gnomAD 0.007%). This variant has not been reported in the literature in individuals affected with LZTS1-related conditions. ClinVar contains an entry for this variant (Variation ID: 2989186). Invitae Evidence Modeling of protein sequence and biophysical properties (such as structural, functional, and spatial information, amino acid conservation, physicochemical variation, residue mobility, and thermodynamic stability) indicates that this missense variant is expected to disrupt LZTS1 protein function with a positive predictive value of 80%. In summary, the available evidence is currently insufficient to determine the role of this variant in disease. Therefore, it has been classified as a Variant of Uncertain Significance.

Ambry Genetics
Classification: Uncertain significance. Last evaluated: 2025-03-22. Review status: criteria provided, single submitter. Criteria: Ambry Variant Classification Scheme 2023. Collection method: clinical testing. Allele origin: germline.

NM_021020.5(LZTS1):c.1666C>T (p.Arg556Trp)

Gene: LZTS1 (leucine zipper tumor suppressor 1; minus strand). Cytogenetic location: 8p21.3.
Variant type: single nucleotide variant.
Coding change: c.1666C>T on transcript NM_021020.5 (MANE Select); coding-DNA position 1666, C replaced by T.
Protein change: p.Arg556Trp; replaces arginine 556 with tryptophan.
Molecular consequence: missense variant.
Genome position (GRCh38, 1-based): chr8:20,249,847, G>A on the plus strand (C>T on the coding strand, the complement: LZTS1 is on the minus strand). VCF-style: chr8-20249847-G-A. GRCh37 (hg19) VCF-style: chr8-20107358-G-A.
Other names: c.1666C>T, p.Arg556Trp (NM_001362884.2); c.1666C>T (NM_021020.2); short protein forms R556W.
Identifiers: ClinVar variation 2989186 (VCV002989186.4), dbSNP rs748585946, ClinGen allele CA4657220.